The following is an entry in ClinVar:

NM_001123376.3(TMEM72):c.413C>A (p.Ala138Asp)

Genes: TMEM72 (transmembrane protein 72; plus strand), TMEM72-AS1 (TMEM72 antisense RNA 1; minus strand). Cytogenetic location: 10q11.21.
Variant type: single nucleotide variant.
Coding change: c.413C>A on transcript NM_001123376.3 (MANE Select); coding-DNA position 413, C replaced by A.
Protein change: p.Ala138Asp; replaces alanine 138 with aspartic acid.
Molecular consequence: missense variant.
Genome position (GRCh38, 1-based): chr10:44,934,719, C>A. VCF-style: chr10-44934719-C-A. GRCh37 (hg19) VCF-style: chr10-45430167-C-A.
Other names: c.59C>A, p.Ala20Asp (NM_001345926.2); short protein forms A138D, A20D.
Identifiers: ClinVar variation 156705 (VCV000156705.1), dbSNP rs587777896, ClinGen allele CA248398.

ClinVar aggregate classification (germline): not provided (0 of 4 stars; one submission).

Submission:

James Howe Lab, University of Iowa Hospital and Clinics
No classification provided. Review status: no classification provided. Collection method: not provided. Allele origin: unknown.
Comment: Analysis of CDKN1B mutations in 86 patients with small bowel neuroendocrine tumors and 68 patients with pancreas neuroendocrine tumors.